The following is an entry in ClinVar:

NM_052859.4(RFT1):c.1597G>T (p.Val533Leu)

Gene: RFT1 (RFT1 glycolipid translocator homolog; minus strand). Cytogenetic location: 3p21.1.
Variant type: single nucleotide variant.
Coding change: c.1597G>T on transcript NM_052859.4 (MANE Select); coding-DNA position 1597, G replaced by T.
Protein change: p.Val533Leu; replaces valine 533 with leucine.
Molecular consequence: missense variant.
Genome position (GRCh38, 1-based): chr3:53,091,932, C>A on the plus strand (G>T on the coding strand, the complement: RFT1 is on the minus strand). VCF-style: chr3-53091932-C-A. GRCh37 (hg19) VCF-style: chr3-53125948-C-A.
Other names: short protein forms V533L.
Identifiers: ClinVar variation 1998492 (VCV001998492.4), dbSNP rs2470936050, ClinGen allele CA353225715.

ClinVar aggregate classification (germline): Uncertain significance (1 of 4 stars; one submission).

Conditions:
RFT1-congenital disorder of glycosylation (CDG1N). Also called: Congenital disorder of glycosylation type In; RFT1-CDG; CDG In. Identifiers: Orphanet 244310, MedGen C2677590, MONDO:0012783, OMIM 612015.

Submission:

Labcorp Genetics (formerly Invitae), Labcorp
Classification: Uncertain significance for RFT1-congenital disorder of glycosylation. Last evaluated: 2022-05-25. Review status: criteria provided, single submitter. Criteria: Invitae Variant Classification Sherloc (09022015). Collection method: clinical testing. Allele origin: germline.
Comment: This sequence change replaces valine, which is neutral and non-polar, with leucine, which is neutral and non-polar, at codon 533 of the RFT1 protein (p.Val533Leu). In summary, the available evidence is currently insufficient to determine the role of this variant in disease. Therefore, it has been classified as a Variant of Uncertain Significance. Algorithms developed to predict the effect of missense changes on protein structure and function output the following: SIFT: "Tolerated"; PolyPhen-2: "Benign"; Align-GVGD: "Class C0". The leucine amino acid residue is found in multiple mammalian species, which suggests that this missense change does not adversely affect protein function. This variant has not been reported in the literature in individuals affected with RFT1-related conditions. This variant is not present in population databases (gnomAD no frequency).